The following is an entry in ClinVar:

NM_016203.4(PRKAG2):c.*572G>A

Gene: PRKAG2 (protein kinase AMP-activated non-catalytic subunit gamma 2; minus strand). Cytogenetic location: 7q36.1.
Variant type: single nucleotide variant.
Coding change: c.*572G>A on transcript NM_016203.4 (MANE Select); 572 bases downstream of the stop codon, G replaced by A.
Molecular consequence: 3 prime UTR variant.
Genome position (GRCh38, 1-based): chr7:151,556,629, C>T on the plus strand (G>A on the coding strand, the complement: PRKAG2 is on the minus strand). VCF-style: chr7-151556629-C-T. GRCh37 (hg19) VCF-style: chr7-151253715-C-T.
Other names: c.*572G>A (NM_001040633.2, NM_001304527.2, NM_001304531.2 and 2 more transcripts).
Identifiers: ClinVar variation 359334 (VCV000359334.5), dbSNP rs78192883, ClinGen allele CA10628500.

ClinVar aggregate classification (germline): Likely benign. Review status: criteria provided, single submitter (1 of 4 stars). 2 submissions from 1 submitter: Likely benign (2). Last evaluated 2018-01-13.

Conditions:
Hypertrophic cardiomyopathy 6. Identifiers: MedGen C1833236, MONDO:0010946, OMIM 600858.
Wolff-Parkinson-White pattern. Also called: WPW SYNDROME; Auriculoventricular accessory pathway syndrome; False bundle branch block syndrome; Anomalous ventricular excitation syndrome. Identifiers: MedGen C0043202, MONDO:0008685, OMIM 194200, HP:0001716.

Allele frequency attached by ClinVar (database versions not stated): gnomAD 0.00362 and 0.00384; 1000 Genomes Project 0.00399; TOPMed 0.00411; 1000 Genomes Project 30x 0.00468.

Submissions (2):

Illumina Laboratory Services, Illumina
Classification: Likely benign for Hypertrophic cardiomyopathy 6. Last evaluated: 2018-01-13. Review status: criteria provided, single submitter. Criteria: ICSL Variant Classification Criteria 13 December 2019. Collection method: clinical testing. Allele origin: germline.
Comment: This variant was observed in the ICSL laboratory as part of a predisposition screen in an ostensibly healthy population. It had not been previously curated by ICSL or reported in the Human Gene Mutation Database (HGMD: prior to June 1st, 2018), and was therefore a candidate for classification through an automated scoring system. Utilizing variant allele frequency, disease prevalence and penetrance estimates, and inheritance mode, an automated score was calculated to assess if this variant is too frequent to cause the disease. Based on the score and internal cut-off values, a variant classified as likely benign is not then subjected to further curation. The score for this variant resulted in a classification of likely benign for this disease.

Illumina Laboratory Services, Illumina
Classification: Likely benign for Wolff-Parkinson-White pattern. Last evaluated: 2018-01-13. Review status: criteria provided, single submitter. Criteria: ICSL Variant Classification Criteria 13 December 2019. Collection method: clinical testing. Allele origin: germline.
Comment: the same text as in the submission from Illumina Laboratory Services, Illumina above.